The following is an entry in ClinVar:

ClinVar aggregate classification (germline): Benign. Review status: criteria provided, single submitter (1 of 4 stars). 2 submissions from 2 submitters: Benign (1). 1 of the submissions does not count toward it. Last evaluated 2026-01-28.

Conditions:
TNS2-related disorder. Also called: TNS2-related condition.

Allele frequency attached by ClinVar (database versions not stated): gnomAD exomes 0.00020; ExAC 0.00053; ESP Exome Variant Server 0.00138; 1000 Genomes Project 30x 0.00172; gnomAD 0.00191; TOPMed 0.00210; 1000 Genomes Project 0.00220.
gnomAD v4.1: 584 of 1,614,032 alleles (0.036%); highest among the groups gnomAD compares: African/African-American, 0.68%; 3 homozygotes.

Submissions (2):

Labcorp Genetics (formerly Invitae), Labcorp
Classification: Benign. Last evaluated: 2026-01-28. Review status: criteria provided, single submitter. Criteria: Invitae Variant Classification Sherloc (09022015). Collection method: clinical testing. Allele origin: germline.

PreventionGenetics, part of Exact Sciences
Classification: Likely benign for TNS2-related condition. Last evaluated: 2019-07-16. Review status: no assertion criteria provided. Collection method: clinical testing. Allele origin: germline. Not counted in ClinVar's aggregate classification.
Comment: This variant is classified as likely benign based on ACMG/AMP sequence variant interpretation guidelines (Richards et al. 2015 PMID: 25741868, with internal and published modifications).

NM_170754.4(TNS2):c.1308C>T (p.Asn436=)

Gene: TNS2 (tensin 2; plus strand). Cytogenetic location: 12q13.13.
Variant type: single nucleotide variant.
Coding change: c.1308C>T on transcript NM_170754.4 (MANE Select); coding-DNA position 1308, C replaced by T.
Protein change: p.Asn436=; no amino-acid change (asparagine 436 retained).
Molecular consequence: synonymous variant.
Genome position (GRCh38, 1-based): chr12:53,058,730, C>T. VCF-style: chr12-53058730-C-T. GRCh37 (hg19) VCF-style: chr12-53452514-C-T.
Other names: c.1338C>T (NM_015319.2); c.1308C>T, p.Asn436= (NM_001416202.1, NM_001416204.1); c.1239C>T, p.Asn413= (NM_001416203.1, NM_015319.3); c.936C>T, p.Asn312= (NM_198316.2).
Identifiers: ClinVar variation 2048495 (VCV002048495.6), dbSNP rs144150626, ClinGen allele CA6592287.
Genomic context (GRCh38, chr12:53,058,730, plus strand): 5'-GCCGCCTCTCCCCTGCTCCCCAATACCCGAGTGGCCTTCCACAGGCAGCACTCCACGGAA[C>T]GACCCCTCGGTCTCTGTCGACTACAACACCACTGAGCCAGCCGTGCGCTGGGACTCCTAT-3'
Protein context (NP_736610.2, residues 426-446): PEKIKGSTPR[Asn436=]DPSVSVDYNT